The following is an entry in ClinVar:

NM_000426.4(LAMA2):c.3059G>C (p.Gly1020Ala)

Gene: LAMA2 (laminin subunit alpha 2; plus strand). Cytogenetic location: 6q22.33.
Variant type: single nucleotide variant.
Coding change: c.3059G>C on transcript NM_000426.4 (MANE Select); coding-DNA position 3059, G replaced by C.
Protein change: p.Gly1020Ala; replaces glycine 1020 with alanine.
Molecular consequence: missense variant.
Genome position (GRCh38, 1-based): chr6:129,300,757, G>C. VCF-style: chr6-129300757-G-C. GRCh37 (hg19) VCF-style: chr6-129621902-G-C.
Other names: c.3059G>C, p.Gly1020Ala (NM_001079823.2); short protein forms G1020A.
Identifiers: ClinVar variation 1480314 (VCV001480314.3), dbSNP rs1021796733, ClinGen allele CA365611356.

ClinVar aggregate classification (germline): Uncertain significance (1 of 4 stars; one submission).

Conditions:
LAMA2-related muscular dystrophy (LAMA2-RD). Also called: Laminin alpha 2-related dystrophy. Identifiers: MedGen C5679788, MONDO:0100228.

Submission:

Labcorp Genetics (formerly Invitae), Labcorp
Classification: Uncertain significance for LAMA2-related muscular dystrophy. Last evaluated: 2022-06-13. Review status: criteria provided, single submitter. Criteria: Invitae Variant Classification Sherloc (09022015). Collection method: clinical testing. Allele origin: germline.
Comment: This sequence change replaces glycine, which is neutral and non-polar, with alanine, which is neutral and non-polar, at codon 1020 of the LAMA2 protein (p.Gly1020Ala). This variant is not present in population databases (gnomAD no frequency). This variant has not been reported in the literature in individuals affected with LAMA2-related conditions. Advanced modeling of protein sequence and biophysical properties (such as structural, functional, and spatial information, amino acid conservation, physicochemical variation, residue mobility, and thermodynamic stability) performed at Invitae indicates that this missense variant is not expected to disrupt LAMA2 protein function. In summary, the available evidence is currently insufficient to determine the role of this variant in disease. Therefore, it has been classified as a Variant of Uncertain Significance.